The following is an entry in ClinVar:

ClinVar aggregate classification (germline): Uncertain significance (1 of 4 stars; one submission).

Conditions:
Acid sphingomyelinase deficiency. Identifiers: Orphanet 618899, MedGen C5243927, MONDO:0100464.

Submission:

Myriad Genetics, Inc.
Classification: Uncertain significance for Acid sphingomyelinase deficiency. Last evaluated: 2025-07-16. Review status: criteria provided, single submitter. Criteria: Myriad Autosomal Dominant, Autosomal Recessive and X-Linked Classification Criteria (2023). Collection method: clinical testing. Allele origin: unknown.
Comment: NM_000543.4(SMPD1):c.985_1008del24(F329_G336del) is an in-frame deletion classified as a variant of uncertain significance in the context of Niemann-Pick disease, SMPD1-related. F329_G336del has not been observed in cases with relevant disease. Relevant functional assessments of this variant are not available in the literature. F329_G336del has not been observed in referenced population frequency databases. In summary, there is insufficient evidence to classify NM_000543.4(SMPD1):c.985_1008del24(F329_G336del) as pathogenic or benign. Please note: this variant was assessed in the context of healthy population screening.

NM_000543.5(SMPD1):c.985_1008del (p.Phe329_Gly336del)

Gene: SMPD1 (sphingomyelin phosphodiesterase 1; plus strand). Cytogenetic location: 11p15.4.
Variant type: Deletion.
Coding change: c.985_1008del on transcript NM_000543.5 (MANE Select); coding-DNA positions 985 to 1008, 24 bases deleted (TTCCCTCCCCCCTTCATTGAGGGC).
Protein change: p.Phe329_Gly336del.
Molecular consequence: inframe deletion. On other transcripts: non-coding transcript variant (1).
Genome position (GRCh38, 1-based): chr11:6,392,050-6,392,073, TTCCCTCCCCCCTTCATTGAGGGC deleted; deleting any 24 consecutive bases within chr11:6,392,048-6,392,073 gives the same sequence; the c. name uses the placement nearest the transcript's 3' end. VCF-style (leftmost placement, unchanged base first): chr11-6392047-AGCTTCCCTCCCCCCTTCATTGAGG-A. GRCh37 (hg19) VCF-style: chr11-6413277-AGCTTCCCTCCCCCCTTCATTGAGG-A.
Other names: c.982_1005del, p.Phe328_Gly335del (NM_001007593.3); c.985_1008del, p.Phe329_Gly336del (NM_001318087.2, NM_001365135.2); c.24_47del, p.Ser9_Ala16del (NM_001318088.2).
Identifiers: ClinVar variation 5003495 (VCV005003495.1).